The following is an entry in ClinVar:

ClinVar aggregate classification (germline): Benign. Review status: reviewed by expert panel (3 of 4 stars). 11 submissions from 11 submitters: Benign (1). 10 of the submissions do not count toward it. Last evaluated 2019-06-18.

Conditions:
Hereditary breast ovarian cancer syndrome. Also called: Hereditary breast and ovarian cancer syndrome; Hereditary breast and ovarian cancer; Hereditary breast and ovarian cancer syndrome (HBOC); Breast and ovarian cancer; Hereditary breast and/or ovarian cancer syndrome; BRCA1- and BRCA2-Associated Hereditary Breast and Ovarian Cancer. Identifiers: Orphanet 145, MedGen C0677776, MeSH D061325, MONDO:0003582. Disease mechanism: loss of function.
Malignant tumor of breast. Also called: Malignant breast neoplasm; Cancer breast. Identifiers: MedGen C0006142, MONDO:0007254. Disease mechanism: loss of function.
Hereditary cancer-predisposing syndrome. Also called: Neoplastic Syndromes, Hereditary; Tumor predisposition; Hereditary neoplastic syndrome; Hereditary Cancer Syndrome. Identifiers: Orphanet 140162, MedGen C0027672, MeSH D009386, MONDO:0015356.
Breast-ovarian cancer, familial, susceptibility to, 2 (BROVCA2). Also called: BRCA2 Hereditary Breast and Ovarian Cancer. Identifiers: Orphanet 145, MedGen C2675520, MONDO:0012933, OMIM 612555. Disease mechanism: loss of function.

Allele frequency attached by ClinVar (database versions not stated): gnomAD 0.00001; TOPMed 0.00001; gnomAD exomes 0.00002; ExAC 0.00003.
gnomAD v4.1: 15 of 1,613,710 alleles (0.00093%); highest among the groups gnomAD compares: East Asian, 0.0089%; no homozygotes.

Submissions (11):

Evidence-based Network for the Interpretation of Germline Mutant Alleles (ENIGMA)
Classification: Benign for Breast-ovarian cancer, familial, susceptibility to, 2. Last evaluated: 2019-06-18. Review status: reviewed by expert panel. Criteria: ENIGMA BRCA1/2 Classification Criteria (2017-06-29). Collection method: curation. Allele origin: germline.
Comment: IARC class based on posterior probability from multifactorial likelihood analysis, thresholds for class as per Plon et al. 2008 (PMID: 18951446). Class 1 based on posterior probability = 0.000833

Labcorp Genetics (formerly Invitae), Labcorp
Classification: Likely benign for Hereditary breast ovarian cancer syndrome. Last evaluated: 2026-02-03. Review status: criteria provided, single submitter. Criteria: Invitae Variant Classification Sherloc (09022015). Collection method: clinical testing. Allele origin: germline. Not counted in ClinVar's aggregate classification.

Quest Diagnostics Nichols Institute San Juan Capistrano
Classification: Benign. Last evaluated: 2025-03-05. Review status: criteria provided, single submitter. Criteria: Quest Diagnostics criteria. Collection method: clinical testing. Allele origin: unknown. Not counted in ClinVar's aggregate classification.

GeneDx
Classification: Likely benign. Last evaluated: 2023-01-04. Review status: criteria provided, single submitter. Criteria: GeneDx Variant Classification Process June 2021. Collection method: clinical testing. Allele origin: germline. Affected: yes. Not counted in ClinVar's aggregate classification.
Comment: See Variant Classification Assertion Criteria.

Sema4
Classification: Uncertain significance for Hereditary cancer-predisposing syndrome. Last evaluated: 2021-04-22. Review status: criteria provided, single submitter. Criteria: Sema4 Curation Guidelines. Collection method: curation. Allele origin: germline. Not counted in ClinVar's aggregate classification.
Comment: The BRCA2 c.5753A>G (p.H1918R) variant has been reported in heterozygosity in several individuals with breast cancer (PMID: 30287823). Functional studies have shown that this variant modestly reduces the cell viability in the presence of PARP inhibitors (PMID: 32444794). This variant was observed in 5/10074 chromosomes in the Ashkenazi Jewish population according to the Genome Aggregation Database (PMID: 32461654) and has been reported in ClinVar (Variation ID: 51928). In silico tools suggest the impact of the variant on protein function is inconclusive. The evidence is insufficient to meet ACMG/AMP criteria for classifying the variant as benign or pathogenic. Based on the current evidence available, this variant is interpreted as a variant of uncertain significance.

Ambry Genetics
Classification: Likely benign for Hereditary cancer-predisposing syndrome. Last evaluated: 2018-10-30. Review status: criteria provided, single submitter. Criteria: Ambry Variant Classification Scheme 2023. Collection method: clinical testing. Allele origin: germline. Not counted in ClinVar's aggregate classification.

Women's Health and Genetics/Laboratory Corporation of America, LabCorp
Classification: Uncertain significance. Last evaluated: 2016-11-07. Review status: criteria provided, single submitter. Criteria: LabCorp Variant Classification Summary - May 2015. Collection method: clinical testing. Allele origin: germline. Not counted in ClinVar's aggregate classification.
Comment: Variant summary: The BRCA2 c.5753A>G (p.His1918Arg) variant causes a missense change involving a non-conserved nucleotide with 3/4 in silico tools (SNPs&GO not captured due to low reliability index) predict a benign outcome, although these predictions have yet to be functionally assessed. The variant of interest was observed in the large, broad control population, ExAC, with an allele frequency of 4/121048 (1/30303), which does not exceed the estimated maximal expected allele frequency for a pathogenic BRCA2 variant of 1/1333. A publication cites the variant indicating it is located near a predicted phosphorylation site (Tram_2013). In addition, multiple clinical diagnostic laboratories/databases cite the variant with conflicting classifications "uncertain significance" or "likely benign." One database cites the variant to co-occur with a potentially pathogenic BRCA2 variant, c.1689G>A (p.Trp563X). Therefore, until additional information becomes available (ie, clinical and functional studies), the variant of interest has been classified as a VUS - possibly benign variant.

Color Diagnostics, LLC DBA Color Health
Classification: Likely benign for Hereditary cancer-predisposing syndrome. Last evaluated: 2016-07-11. Review status: criteria provided, single submitter. Criteria: ACMG Guidelines, 2015. Collection method: clinical testing. Allele origin: germline. Not counted in ClinVar's aggregate classification.

Counsyl
Classification: Uncertain significance for Breast-ovarian cancer, familial, susceptibility to, 2. Last evaluated: 2018-03-29. Review status: no assertion criteria provided. Collection method: clinical testing. Allele origin: unknown. Not counted in ClinVar's aggregate classification.

Breast Cancer Information Core (BIC) (BRCA2)
Classification: Uncertain significance for Breast-ovarian cancer, familial 2. Last evaluated: 1997-11-13. Review status: no assertion criteria provided. Collection method: clinical testing. Allele origin: germline. Affected: yes. Observed: 4 variant alleles. Not counted in ClinVar's aggregate classification.

Department of Pathology and Laboratory Medicine, Sinai Health System
Classification: Uncertain significance for Malignant tumor of breast. Review status: no assertion criteria provided. Collection method: clinical testing. Allele origin: unknown. Affected: yes. Study: The Canadian Open Genetics Repository (COGR). Not counted in ClinVar's aggregate classification.
Comment: The BRCA2 p.His1918Arg variant was not identified in the literature. This variant was identified in dbSNP (ID: rs80358804) â€šÃ„ÃºWith untested alleleâ€šÃ„Ã¹; however, frequency data was not available, thus the prevalence of this variant in the general population could not be determined. The variant was also listed in the BIC database (4X with unknown clinical importance, but it was not identified in any of the other databases searched including HGMD, LOVD, COSMIC, and UMD. The p.His1918 residue is not conserved in mammals and the variant amino acid arginine (Arg) is present in mouse, increasing the likelihood that this variant does not have clinical significance. Computational analyses (PolyPhen-2, SIFT, AlignGVGD, MutationTaster) do not suggest a high likelihood of impact to the protein; however, this information is not predictive enough to rule out pathogenicity. The variant occurs outside of the splicing consensus sequence and four in silico or computational prediction software programs (SpliceSiteFinder, MaxEntScan, NNSPLICE, HumanSpliceFinder) predict the creation of a novel splice donor site at the variant nucleotide position; however, this information is not predictive enough to assume pathogenicity. In summary, based on the above information, the clinical significance of this variant cannot be determined with certainty at this time. This variant is classified as a variant of unknown significance.

Literature cited by the submitters: PubMed 31131967 (cited by Evidence-based Network for the Interpretation of Germline Mutant Alleles (ENIGMA) and Quest Diagnostics Nichols Institute San Juan Capistrano); PubMed 23704879 (cited by Quest Diagnostics Nichols Institute San Juan Capistrano and Women's Health and Genetics/Laboratory Corporation of America, LabCorp); PubMed 30287823 (cited by Quest Diagnostics Nichols Institute San Juan Capistrano and Sema4); PubMed 32444794 (cited by Quest Diagnostics Nichols Institute San Juan Capistrano and Sema4); PubMed 37937776 (cited by Quest Diagnostics Nichols Institute San Juan Capistrano); PubMed 35218119 (cited by Quest Diagnostics Nichols Institute San Juan Capistrano); PubMed 36243179 (cited by Quest Diagnostics Nichols Institute San Juan Capistrano).

NM_000059.4(BRCA2):c.5753A>G (p.His1918Arg)

Gene: BRCA2 (BRCA2 DNA repair associated; plus strand). Cytogenetic location: 13q13.1.
Variant type: single nucleotide variant.
Coding change: c.5753A>G on transcript NM_000059.4 (MANE Select); coding-DNA position 5753, A replaced by G.
Protein change: p.His1918Arg; replaces histidine 1918 with arginine.
Molecular consequence: missense variant.
Genome position (GRCh38, 1-based): chr13:32,340,108, A>G. VCF-style: chr13-32340108-A-G. GRCh37 (hg19) VCF-style: chr13-32914245-A-G.
Other names: short protein forms H1918R.
Identifiers: ClinVar variation 51928 (VCV000051928.26), dbSNP rs80358804, ClinGen allele CA023157.
Genomic context (GRCh38, chr13:32,340,108, plus strand): 5'-ATGATTCAGAGGATATTCTTCATAACTCTCTAGATAATGATGAATGTAGCACGCATTCAC[A>G]TAAGGTTTTTGCTGACATTCAGAGTGAAGAAATTTTACAACATAACCAAAATATGTCTGG-3'
Protein context (NP_000050.3, residues 1908-1928): LDNDECSTHS[His1918Arg]KVFADIQSEE